The following is an entry in ClinVar:

ClinVar aggregate classification (germline): Uncertain significance (1 of 4 stars; one submission).

Submission:

Labcorp Genetics (formerly Invitae), Labcorp
Classification: Uncertain significance. Last evaluated: 2025-07-03. Review status: criteria provided, single submitter. Criteria: Invitae Variant Classification Sherloc (09022015). Collection method: clinical testing. Allele origin: germline.
Comment: This sequence change replaces methionine, which is neutral and non-polar, with isoleucine, which is neutral and non-polar, at codon 200 of the FRMD7 protein (p.Met200Ile). This variant is not present in population databases (gnomAD no frequency). This variant has not been reported in the literature in individuals affected with FRMD7-related conditions. An algorithm developed to predict the effect of missense changes on protein structure and function (PolyPhen-2) suggests that this variant is likely to be tolerated. In summary, the available evidence is currently insufficient to determine the role of this variant in disease. Therefore, it has been classified as a Variant of Uncertain Significance.

NM_194277.3(FRMD7):c.600G>C (p.Met200Ile)

Gene: FRMD7 (FERM domain containing 7; minus strand). Cytogenetic location: Xq26.2.
Variant type: single nucleotide variant.
Coding change: c.600G>C on transcript NM_194277.3 (MANE Select); coding-DNA position 600, G replaced by C.
Protein change: p.Met200Ile; replaces methionine 200 with isoleucine.
Molecular consequence: missense variant.
Genome position (GRCh38, 1-based): chrX:132,085,626, C>G on the plus strand (G>C on the coding strand, the complement: FRMD7 is on the minus strand). VCF-style: chrX-132085626-C-G. GRCh37 (hg19) VCF-style: chrX-131219654-C-G.
Other names: c.555G>C, p.Met185Ile (NM_001306193.2); short protein forms M200I, M185I.
Identifiers: ClinVar variation 4722663 (VCV004722663.1).
Genomic context (GRCh38, chrX:132,085,626, plus strand): 5'-GGAAAGAGATTTTACCCGTAACACCAGTACTCCCATGTGAGCAACAGCCAGGTGAATCTG[C>G]ATCCCTTCACCATCACTGGCGGGGTGAGGCCTGATGCCATACATATCCAGCTTCCTTGCT-3'
Protein context (NP_919253.1, residues 190-210): RPHPASDGEG[Met200Ile]QIHLAVAHMG